The following is an entry in ClinVar:

ClinVar aggregate classification (germline): Uncertain significance (1 of 4 stars; one submission).

Conditions:
Landau-Kleffner syndrome (FESD). Also called: EPILEPSY, FOCAL, WITH SPEECH DISORDER AND WITH OR WITHOUT MENTAL RETARDATION; APHASIA, ACQUIRED, WITH EPILEPSY. Identifiers: Orphanet 1945, Orphanet 725, Orphanet 98818, MedGen C0282512, MONDO:0009509, OMIM 245570.

Submission:

Labcorp Genetics (formerly Invitae), Labcorp
Classification: Uncertain significance for Landau-Kleffner syndrome. Last evaluated: 2022-04-01. Review status: criteria provided, single submitter. Criteria: Invitae Variant Classification Sherloc (09022015). Collection method: clinical testing. Allele origin: germline.
Comment: This sequence change replaces serine, which is neutral and polar, with alanine, which is neutral and non-polar, at codon 1407 of the GRIN2A protein (p.Ser1407Ala). In summary, the available evidence is currently insufficient to determine the role of this variant in disease. Therefore, it has been classified as a Variant of Uncertain Significance. Advanced modeling of protein sequence and biophysical properties (such as structural, functional, and spatial information, amino acid conservation, physicochemical variation, residue mobility, and thermodynamic stability) performed at Invitae indicates that this missense variant is not expected to disrupt GRIN2A protein function. This variant has not been reported in the literature in individuals affected with GRIN2A-related conditions. This variant is not present in population databases (gnomAD no frequency).

NM_001134407.3(GRIN2A):c.4219T>G (p.Ser1407Ala)

Gene: GRIN2A (glutamate ionotropic receptor NMDA type subunit 2A; minus strand). Cytogenetic location: 16p13.2.
Variant type: single nucleotide variant.
Coding change: c.4219T>G on transcript NM_001134407.3 (MANE Select); coding-DNA position 4219, T replaced by G.
Protein change: p.Ser1407Ala; replaces serine 1407 with alanine.
Molecular consequence: missense variant. On other transcripts: 3 prime UTR variant (1).
Genome position (GRCh38, 1-based): chr16:9,763,325, A>C on the plus strand (T>G on the coding strand, the complement: GRIN2A is on the minus strand). VCF-style: chr16-9763325-A-C. GRCh37 (hg19) VCF-style: chr16-9857182-A-C.
Other names: c.4219T>G, p.Ser1407Ala (NM_000833.5); c.*30T>G (NM_001134408.2); short protein forms S1407A.
Identifiers: ClinVar variation 2120295 (VCV002120295.4), dbSNP rs2141125420, ClinGen allele CA394705709.